The following is an entry in ClinVar:

ClinVar aggregate classification (germline): Conflicting classifications of pathogenicity. Review status: criteria provided, conflicting classifications (1 of 4 stars). 2 submissions from 2 submitters: Uncertain significance (1); Likely benign (1). Last evaluated 2022-06-10.

Conditions:
Inborn genetic diseases. Identifiers: MedGen C0950123, MeSH D030342.

Allele frequency attached by ClinVar (database versions not stated): ExAC 0.00012; gnomAD 0.00012; TOPMed 0.00014; ESP Exome Variant Server 0.00046.
gnomAD v4.1: 329 of 1,614,026 alleles (0.02%); highest among the groups gnomAD compares: Non-Finnish European, 0.026%; no homozygotes.

Submissions (2):

Labcorp Genetics (formerly Invitae), Labcorp
Classification: Uncertain significance. Last evaluated: 2022-06-10. Review status: criteria provided, single submitter. Criteria: Invitae Variant Classification Sherloc (09022015). Collection method: clinical testing. Allele origin: germline.
Comment: This sequence change replaces alanine, which is neutral and non-polar, with threonine, which is neutral and polar, at codon 142 of the C1QC protein (p.Ala142Thr). This variant is present in population databases (rs147904988, gnomAD 0.02%). This variant has not been reported in the literature in individuals affected with C1QC-related conditions. Algorithms developed to predict the effect of missense changes on protein structure and function output the following: SIFT: "Tolerated"; PolyPhen-2: "Benign"; Align-GVGD: "Class C0". The threonine amino acid residue is found in multiple mammalian species, which suggests that this missense change does not adversely affect protein function. In summary, the available evidence is currently insufficient to determine the role of this variant in disease. Therefore, it has been classified as a Variant of Uncertain Significance.

Ambry Genetics
Classification: Likely benign for Inborn genetic diseases. Last evaluated: 2022-05-18. Review status: criteria provided, single submitter. Criteria: Ambry Variant Classification Scheme 2023. Collection method: clinical testing. Allele origin: germline.

NM_172369.5(C1QC):c.424G>A (p.Ala142Thr)

Gene: C1QC (complement C1q C chain; plus strand). Cytogenetic location: 1p36.12.
Variant type: single nucleotide variant.
Coding change: c.424G>A on transcript NM_172369.5 (MANE Select); coding-DNA position 424, G replaced by A.
Protein change: p.Ala142Thr; replaces alanine 142 with threonine.
Molecular consequence: missense variant.
Genome position (GRCh38, 1-based): chr1:22,647,469, G>A. VCF-style: chr1-22647469-G-A. GRCh37 (hg19) VCF-style: chr1-22973962-G-A.
Other names: c.424G>A, p.Ala142Thr (NM_001114101.3, NM_001347619.2); c.157G>A, p.Ala53Thr (NM_001347620.2); c.424G>A (NM_172369.3); short protein forms A142T, A53T.
Identifiers: ClinVar variation 2197488 (VCV002197488.2), dbSNP rs147904988, ClinGen allele CA677972.